The following is an entry in ClinVar:

NM_001242896.3(DEPDC5):c.2513G>T (p.Arg838Leu)

Gene: DEPDC5 (DEP domain containing 5, GATOR1 subcomplex subunit; plus strand). Cytogenetic location: 22q12.3.
Variant type: single nucleotide variant.
Coding change: c.2513G>T on transcript NM_001242896.3 (MANE Select); coding-DNA position 2513, G replaced by T.
Protein change: p.Arg838Leu; replaces arginine 838 with leucine.
Molecular consequence: missense variant. On other transcripts: non-coding transcript variant (5).
Genome position (GRCh38, 1-based): chr22:31,838,843, G>T. VCF-style: chr22-31838843-G-T. GRCh37 (hg19) VCF-style: chr22-32234829-G-T.
Other names: c.2486G>T, p.Arg829Leu (NM_001136029.4, NM_001369903.1, NM_014662.6); c.2279G>T, p.Arg760Leu (NM_001242897.2, NM_001363854.2, NM_001364319.2); c.2513G>T, p.Arg838Leu (NM_001363852.2, NM_001364318.2, NM_001364320.2); c.2429G>T, p.Arg810Leu (NM_001369901.1, NM_001369902.1); short protein forms R760L, R810L, R829L, R838L.
Identifiers: ClinVar variation 4532581 (VCV004532581.1).

ClinVar aggregate classification (germline): Uncertain significance (1 of 4 stars; one submission).

gnomAD v4.1: 1 of 1,610,522 alleles (0.000062%); highest among the groups gnomAD compares: Non-Finnish European, 0.000085%; no homozygotes.

Submission:

GeneDx
Classification: Uncertain significance. Last evaluated: 2025-05-28. Review status: criteria provided, single submitter. Criteria: GeneDx Variant Classification Process June 2021. Collection method: clinical testing. Allele origin: germline. Affected: yes.
Comment: Not observed at significant frequency in large population cohorts (gnomAD); In silico analysis suggests that this missense variant does not alter protein structure/function; Has not been previously published as pathogenic or benign to our knowledge